The following is an entry in ClinVar:

ClinVar aggregate classification (germline): Uncertain significance. Review status: criteria provided, multiple submitters, no conflicts (2 of 4 stars). 2 submissions from 2 submitters: Uncertain significance (2). Last evaluated 2024-01-11.

Conditions:
Hereditary cancer-predisposing syndrome. Also called: Hereditary Cancer Syndrome; Hereditary neoplastic syndrome; Neoplastic Syndromes, Hereditary; Tumor predisposition. Identifiers: Orphanet 140162, MedGen C0027672, MeSH D009386, MONDO:0015356.
Hereditary nonpolyposis colorectal neoplasms. Identifiers: MedGen C0009405, MeSH D003123.

Submissions (2):

Ambry Genetics
Classification: Uncertain significance for Hereditary cancer-predisposing syndrome. Last evaluated: 2024-01-11. Review status: criteria provided, single submitter. Criteria: Ambry Variant Classification Scheme 2023. Collection method: clinical testing. Allele origin: germline.
Comment: The p.S522C variant (also known as c.1564A>T), located in coding exon 11 of the PMS2 gene, results from an A to T substitution at nucleotide position 1564. The serine at codon 522 is replaced by cysteine, an amino acid with dissimilar properties. This amino acid position is conserved. In addition, this alteration is predicted to be tolerated by in silico analysis. Since supporting evidence is limited at this time, the clinical significance of this alteration remains unclear.

Labcorp Genetics (formerly Invitae), Labcorp
Classification: Uncertain significance for Hereditary nonpolyposis colorectal neoplasms. Last evaluated: 2023-03-26. Review status: criteria provided, single submitter. Criteria: Invitae Variant Classification Sherloc (09022015). Collection method: clinical testing. Allele origin: germline.
Comment: In summary, the available evidence is currently insufficient to determine the role of this variant in disease. Therefore, it has been classified as a Variant of Uncertain Significance. Advanced modeling of protein sequence and biophysical properties (such as structural, functional, and spatial information, amino acid conservation, physicochemical variation, residue mobility, and thermodynamic stability) performed at Invitae indicates that this missense variant is not expected to disrupt PMS2 protein function. ClinVar contains an entry for this variant (Variation ID: 455660). This variant has not been reported in the literature in individuals affected with PMS2-related conditions. This variant is not present in population databases (gnomAD no frequency). This sequence change replaces serine, which is neutral and polar, with cysteine, which is neutral and slightly polar, at codon 522 of the PMS2 protein (p.Ser522Cys).

NM_000535.7(PMS2):c.1564A>T (p.Ser522Cys)

Gene: PMS2 (PMS1 homolog 2, mismatch repair system component; minus strand). Cytogenetic location: 7p22.1.
Variant type: single nucleotide variant.
Coding change: c.1564A>T on transcript NM_000535.7 (MANE Select); coding-DNA position 1564, A replaced by T.
Protein change: p.Ser522Cys; replaces serine 522 with cysteine.
Molecular consequence: missense variant. On other transcripts: non-coding transcript variant (1).
Genome position (GRCh38, 1-based): chr7:5,987,201, T>A on the plus strand (A>T on the coding strand, the complement: PMS2 is on the minus strand). VCF-style: chr7-5987201-T-A. GRCh37 (hg19) VCF-style: chr7-6026832-T-A.
Other names: c.1159A>T, p.Ser387Cys (NM_001322003.2, NM_001322004.2, NM_001322005.2 and 1 more transcripts); c.1408A>T, p.Ser470Cys (NM_001322006.2); c.1246A>T, p.Ser416Cys (NM_001322007.2, NM_001322008.2); c.1003A>T, p.Ser335Cys (NM_001322010.2); c.631A>T, p.Ser211Cys (NM_001322011.2, NM_001322012.2); c.991A>T, p.Ser331Cys (NM_001322013.2); c.1564A>T, p.Ser522Cys (NM_001322014.2); c.1255A>T, p.Ser419Cys (NM_001322015.2); short protein forms S522C, S331C, S335C, S416C, S470C, S387C, S419C, S211C.
Identifiers: ClinVar variation 455660 (VCV000455660.9), dbSNP rs1554297553, ClinGen allele CA366741579.